The following is an entry in ClinVar:

ClinVar aggregate classification (germline): Uncertain significance. Review status: criteria provided, multiple submitters, no conflicts (2 of 4 stars). 2 submissions from 2 submitters: Uncertain significance (2). Last evaluated 2026-05-20.

Conditions:
Autosomal recessive limb-girdle muscular dystrophy type 2A (LGMDR1). Also called: Limb-girdle muscular dystrophy, type 2A; Calpainopathy; LEYDEN-MOEBIUS MUSCULAR DYSTROPHY; MUSCULAR DYSTROPHY, PELVOFEMORAL; Muscular dystrophy, limb-girdle, type 2A, Amish. Identifiers: Orphanet 267, MedGen C1869123, MONDO:0009675, OMIM 253600. Disease mechanism: loss of function.

Submissions (2):

Women's Health and Genetics/Laboratory Corporation of America, LabCorp
Classification: Uncertain significance. Last evaluated: 2026-05-20. Review status: criteria provided, single submitter. Criteria: LabCorp Variant Classification Summary - May 2015. Collection method: clinical testing. Allele origin: germline.
Comment: Variant summary: CAPN3 c.1192T>C (p.Trp398Arg) results in a non-conservative amino acid change in the encoded protein sequence. Algorithms developed to predict the effect of missense changes on protein structure and function all suggest that this variant is likely to be disruptive. Consensus agreement among computation tools predict no significant impact on normal splicing. However, these predictions have yet to be confirmed by functional studies. The variant was absent in 251364 control chromosomes (gnomAD). The available data on variant occurrences in the general population are insufficient to allow any conclusion about variant significance. c.1192T>C has been observed in individual(s) affected with CAPN3-related conditions (e.g. Milic_2007). These data do not allow any conclusion about variant significance. To our knowledge, no experimental evidence demonstrating an impact on protein function has been reported. The following publications have been ascertained in the context of this evaluation (PMID: 17994539, 17236769). ClinVar contains an entry for this variant (Variation ID: 838704). Based on the evidence outlined above, the variant was classified as uncertain significance.

Labcorp Genetics (formerly Invitae), Labcorp
Classification: Uncertain significance for Autosomal recessive limb-girdle muscular dystrophy type 2A. Last evaluated: 2024-08-12. Review status: criteria provided, single submitter. Criteria: Invitae Variant Classification Sherloc (09022015). Collection method: clinical testing. Allele origin: germline.
Comment: This sequence change replaces tryptophan, which is neutral and slightly polar, with arginine, which is basic and polar, at codon 398 of the CAPN3 protein (p.Trp398Arg). This variant is not present in population databases (gnomAD no frequency). This missense change has been observed in individual(s) with autosomal recessive limb-girdle muscular dystrophy (PMID: 17236769, 17994539). ClinVar contains an entry for this variant (Variation ID: 838704). An algorithm developed to predict the effect of missense changes on protein structure and function (PolyPhen-2) suggests that this variant is likely to be tolerated. In summary, the available evidence is currently insufficient to determine the role of this variant in disease. Therefore, it has been classified as a Variant of Uncertain Significance.

Literature cited by the submitters: PubMed 17994539 (cited by Women's Health and Genetics/Laboratory Corporation of America, LabCorp and Labcorp Genetics (formerly Invitae), Labcorp); PubMed 17236769 (cited by Women's Health and Genetics/Laboratory Corporation of America, LabCorp and Labcorp Genetics (formerly Invitae), Labcorp).

NM_000070.3(CAPN3):c.1192T>C (p.Trp398Arg)

Gene: CAPN3 (calpain 3; plus strand). Cytogenetic location: 15q15.1.
Variant type: single nucleotide variant.
Coding change: c.1192T>C on transcript NM_000070.3 (MANE Select); coding-DNA position 1192, T replaced by C.
Protein change: p.Trp398Arg; replaces tryptophan 398 with arginine.
Molecular consequence: missense variant.
Genome position (GRCh38, 1-based): chr15:42,396,876, T>C. VCF-style: chr15-42396876-T-C. GRCh37 (hg19) VCF-style: chr15-42689074-T-C.
Other names: c.1192T>C, p.Trp398Arg (NM_024344.2); c.1048T>C, p.Trp350Arg (NM_173087.2); short protein forms W350R, W398R.
Identifiers: ClinVar variation 838704 (VCV000838704.10), dbSNP rs2053709952, ClinGen allele CA391999287.